The following is an entry in ClinVar:

ClinVar aggregate classification (germline): Likely benign. Review status: criteria provided, multiple submitters, no conflicts (2 of 4 stars). 2 submissions from 2 submitters: Likely benign (2). Last evaluated 2023-08-01.

Conditions:
Benign neonatal seizures. Also called: Benign familial neonatal epilepsy; Convulsions benign familial neonatal dominant form; Autosomal dominant form of benign neonatal seizures; Benign familial neonatal seizures; Benign neonatal familial convulsions. Identifiers: Orphanet 1949, MedGen C0220669, MONDO:0016027.

Allele frequency attached by ClinVar (database versions not stated): gnomAD exomes below 0.00001; TOPMed below 0.00001.
gnomAD v4.1: 1 of 1,601,220 alleles (0.000062%); no homozygotes.

Submissions (2):

CeGaT Center for Human Genetics Tuebingen
Classification: Likely benign. Last evaluated: 2023-08-01. Review status: criteria provided, single submitter. Criteria: CeGaT Center For Human Genetics Tuebingen Variant Classification Criteria Version 2. Collection method: clinical testing. Allele origin: germline. Affected: yes. Observed: 1 variant allele.
Comment: KCNQ3: BP4, BP7

Labcorp Genetics (formerly Invitae), Labcorp
Classification: Likely benign for Benign neonatal seizures. Last evaluated: 2023-05-22. Review status: criteria provided, single submitter. Criteria: Invitae Variant Classification Sherloc (09022015). Collection method: clinical testing. Allele origin: germline.

NM_004519.4(KCNQ3):c.216C>T (p.Gly72=)

Gene: KCNQ3 (potassium voltage-gated channel subfamily Q member 3; minus strand). Cytogenetic location: 8q24.22.
Variant type: single nucleotide variant.
Coding change: c.216C>T on transcript NM_004519.4 (MANE Select); coding-DNA position 216, C replaced by T.
Protein change: p.Gly72=; no amino-acid change (glycine 72 retained).
Molecular consequence: synonymous variant.
Genome position (GRCh38, 1-based): chr8:132,480,317, G>A on the plus strand (C>T on the coding strand, the complement: KCNQ3 is on the minus strand). VCF-style: chr8-132480317-G-A. GRCh37 (hg19) VCF-style: chr8-133492564-G-A.
Identifiers: ClinVar variation 1921102 (VCV001921102.28), dbSNP rs972697490, ClinGen allele CA186258328.